The following is an entry in ClinVar:

ClinVar aggregate classification (germline): Uncertain significance. Review status: criteria provided, multiple submitters, no conflicts (2 of 4 stars). 3 submissions from 3 submitters: Uncertain significance (3). Last evaluated 2026-01-06.

Conditions:
Inborn genetic diseases. Identifiers: MedGen C0950123, MeSH D030342.
Inclusion body myopathy with Paget disease of bone and frontotemporal dementia. Also called: Inclusion body myopathy with early-onset Paget disease and frontotemporal dementia. Identifiers: Orphanet 52430, MedGen C1833662, MONDO:0000507.
Frontotemporal dementia and/or amyotrophic lateral sclerosis 6 (FTDALS6). Also called: VCP-Related Amyotrophic Lateral Sclerosis; VCP-Related Amyotrophic Lateral Sclerosis/Frontotemporal Dementia. Identifiers: Orphanet 275872, Orphanet 803, MedGen C5436279, MONDO:0013501, OMIM 613954.

Allele frequency attached by ClinVar (database versions not stated): TOPMed below 0.00001; gnomAD 0.00001.
gnomAD v4.1: 1 of 1,614,012 alleles (0.000062%); highest among the groups gnomAD compares: Non-Finnish European, 0.000085%; no homozygotes.

Submissions (3):

Labcorp Genetics (formerly Invitae), Labcorp
Classification: Uncertain significance for Inclusion body myopathy with Paget disease of bone and frontotemporal dementia; Frontotemporal dementia and/or amyotrophic lateral sclerosis 6. Last evaluated: 2026-01-06. Review status: criteria provided, single submitter. Criteria: Invitae Variant Classification Sherloc (09022015). Collection method: clinical testing. Allele origin: germline.
Comment: This sequence change replaces lysine, which is basic and polar, with threonine, which is neutral and polar, at codon 658 of the VCP protein (p.Lys658Thr). This variant is not present in population databases (gnomAD no frequency). This variant has not been reported in the literature in individuals affected with VCP-related conditions. ClinVar contains an entry for this variant (Variation ID: 586925). Invitae Evidence Modeling of protein sequence and biophysical properties (such as structural, functional, and spatial information, amino acid conservation, physicochemical variation, residue mobility, and thermodynamic stability) indicates that this missense variant is not expected to disrupt VCP protein function with a negative predictive value of 80%. In summary, the available evidence is currently insufficient to determine the role of this variant in disease. Therefore, it has been classified as a Variant of Uncertain Significance.

Ambry Genetics
Classification: Uncertain significance for Inborn genetic diseases. Last evaluated: 2023-08-24. Review status: criteria provided, single submitter. Criteria: Ambry Variant Classification Scheme 2023. Collection method: clinical testing. Allele origin: germline.

Athena Diagnostics
Classification: Uncertain significance. Last evaluated: 2017-09-28. Review status: criteria provided, single submitter. Criteria: Athena Diagnostics Criteria. Collection method: clinical testing. Allele origin: germline.

NM_007126.5(VCP):c.1973A>C (p.Lys658Thr)

Gene: VCP (valosin containing protein; minus strand). Cytogenetic location: 9p13.3.
Variant type: single nucleotide variant.
Coding change: c.1973A>C on transcript NM_007126.5 (MANE Select); coding-DNA position 1973, A replaced by C.
Protein change: p.Lys658Thr; replaces lysine 658 with threonine.
Molecular consequence: missense variant.
Genome position (GRCh38, 1-based): chr9:35,059,524, T>G on the plus strand (A>C on the coding strand, the complement: VCP is on the minus strand). VCF-style: chr9-35059524-T-G. GRCh37 (hg19) VCF-style: chr9-35059521-T-G.
Other names: c.1838A>C, p.Lys613Thr (NM_001354927.2, NM_001354928.2); short protein forms K658T, K613T.
Identifiers: ClinVar variation 586925 (VCV000586925.6), dbSNP rs1284380722, ClinGen allele CA373274883.